The following is an entry in ClinVar:

NM_001130438.3(SPTAN1):c.1663C>T (p.Arg555Cys)

Gene: SPTAN1 (spectrin alpha, non-erythrocytic 1; plus strand). Cytogenetic location: 9q34.11.
Variant type: single nucleotide variant.
Coding change: c.1663C>T on transcript NM_001130438.3 (MANE Select); coding-DNA position 1663, C replaced by T.
Protein change: p.Arg555Cys; replaces arginine 555 with cysteine.
Molecular consequence: missense variant.
Genome position (GRCh38, 1-based): chr9:128,582,706, C>T. VCF-style: chr9-128582706-C-T. GRCh37 (hg19) VCF-style: chr9-131344985-C-T.
Other names: c.1663C>T (NM_001130438.2); c.1663C>T, p.Arg555Cys (NM_001195532.2, NM_001363759.2, NM_001363765.2 and 5 more transcripts); c.1699C>T, p.Arg567Cys (NM_001375312.2, NM_001375318.1); short protein forms R555C, R567C.
Identifiers: ClinVar variation 2885500 (VCV002885500.4), dbSNP rs749001794, ClinGen allele CA5264482.

ClinVar aggregate classification (germline): Uncertain significance. Review status: criteria provided, multiple submitters, no conflicts (2 of 4 stars). 2 submissions from 2 submitters: Uncertain significance (2). Last evaluated 2024-11-02.

Conditions:
Early-infantile DEE. Also called: Early infantile epileptic encephalopathy with suppression bursts; Ohtahara syndrome; Early infantile epileptic encephalopathy. Identifiers: Orphanet 1934, MedGen C0393706, MONDO:0800491.
SPTAN1-related disorder. Also called: SPTAN1-related condition; SPTAN1-related disorders.

Allele frequency attached by ClinVar (database versions not stated): gnomAD exomes below 0.00001; ExAC 0.00001.
gnomAD v4.1: 2 of 1,613,542 alleles (0.00012%); highest among the groups gnomAD compares: Middle Eastern, 0.017%; no homozygotes.

Submissions (2):

PreventionGenetics, part of Exact Sciences
Classification: Uncertain significance for SPTAN1-related condition. Last evaluated: 2024-11-02. Review status: criteria provided, single submitter. Criteria: ACMG Guidelines, 2015. Collection method: clinical testing. Allele origin: germline.
Comment: The SPTAN1 c.1663C>T variant is predicted to result in the amino acid substitution p.Arg555Cys. To our knowledge, this variant has not been reported in the literature. This variant is reported in 0.00088% of alleles in individuals of European (Non-Finnish) descent in gnomAD. At this time, the clinical significance of this variant is uncertain due to the absence of conclusive functional and genetic evidence.

Labcorp Genetics (formerly Invitae), Labcorp
Classification: Uncertain significance for Early-infantile DEE. Last evaluated: 2023-11-04. Review status: criteria provided, single submitter. Criteria: Invitae Variant Classification Sherloc (09022015). Collection method: clinical testing. Allele origin: germline.
Comment: This sequence change replaces arginine, which is basic and polar, with cysteine, which is neutral and slightly polar, at codon 555 of the SPTAN1 protein (p.Arg555Cys). The frequency data for this variant in the population databases is considered unreliable, as metrics indicate poor data quality at this position in the gnomAD database. This variant has not been reported in the literature in individuals affected with SPTAN1-related conditions. Advanced modeling of protein sequence and biophysical properties (such as structural, functional, and spatial information, amino acid conservation, physicochemical variation, residue mobility, and thermodynamic stability) has been performed at Invitae for this missense variant, however the output from this modeling did not meet the statistical confidence thresholds required to predict the impact of this variant on SPTAN1 protein function. In summary, the available evidence is currently insufficient to determine the role of this variant in disease. Therefore, it has been classified as a Variant of Uncertain Significance.